The following is an entry in ClinVar:

ClinVar aggregate classification (germline): Pathogenic/Likely pathogenic. Review status: criteria provided, multiple submitters, no conflicts (2 of 4 stars). 3 submissions from 3 submitters: Pathogenic (2); Likely pathogenic (1). Last evaluated 2025-10-28.

Conditions:
Microcephaly 5, primary, autosomal recessive (MCPH5). Also called: ASPM Primary Microcephaly. Identifiers: Orphanet 2512, MedGen C1837501, MONDO:0012106, OMIM 608716.

Submissions (3):

GeneDx
Classification: Pathogenic. Last evaluated: 2025-10-28. Review status: criteria provided, single submitter. Criteria: GeneDx Variant Classification Process June 2021. Collection method: clinical testing. Allele origin: germline. Affected: yes.
Comment: Frameshift variant predicted to result in protein truncation or nonsense mediated decay in a gene for which loss of function is a known mechanism of disease; Not observed at significant frequency in large population cohorts (gnomAD); Has not been previously published as pathogenic or benign to our knowledge

Revvity Omics, Revvity
Classification: Likely pathogenic for Microcephaly 5, primary, autosomal recessive. Last evaluated: 2025-06-17. Review status: criteria provided, single submitter. Criteria: ACMG Guidelines, 2015. Collection method: clinical testing. Allele origin: germline.

Labcorp Genetics (formerly Invitae), Labcorp
Classification: Pathogenic. Last evaluated: 2024-02-17. Review status: criteria provided, single submitter. Criteria: Invitae Variant Classification Sherloc (09022015). Collection method: clinical testing. Allele origin: germline.
Comment: This sequence change creates a premature translational stop signal (p.Val2182Aspfs*30) in the ASPM gene. It is expected to result in an absent or disrupted protein product. Loss-of-function variants in ASPM are known to be pathogenic (PMID: 19028728, 23611254). This variant is present in population databases (rs771583813, gnomAD 0.004%). This variant has not been reported in the literature in individuals affected with ASPM-related conditions. ClinVar contains an entry for this variant (Variation ID: 817073). For these reasons, this variant has been classified as Pathogenic.

Literature cited by the submitters: PubMed 19028728 (cited by Labcorp Genetics (formerly Invitae), Labcorp); PubMed 23611254 (cited by Labcorp Genetics (formerly Invitae), Labcorp).

NM_018136.5(ASPM):c.6545_6548del (p.Val2182fs)

Gene: ASPM (assembly factor for spindle microtubules; minus strand). Cytogenetic location: 1q31.3.
Variant type: Deletion.
Coding change: c.6545_6548del on transcript NM_018136.5 (MANE Select); coding-DNA positions 6545 to 6548, 4 bases deleted (TTAG; older notation c.6545_6548delTTAG).
Protein change: p.Val2182fs; shifts the reading frame from valine 2182.
Molecular consequence: frameshift variant. On other transcripts: intron variant (1).
Genome position (GRCh38, 1-based): chr1:197,102,703-197,102,706, CTAA deleted on the plus strand (TTAG on the coding strand, the reverse complement: ASPM is on the minus strand); deleting any 4 consecutive bases within chr1:197,102,703-197,102,708 gives the same sequence; the c. name uses the placement nearest the transcript's 3' end. VCF-style (leftmost placement, unchanged base first): chr1-197102702-TCTAA-T. GRCh37 (hg19) VCF-style: chr1-197071832-TCTAA-T.
Other names: c.6545_6548delTTAG (NM_018136.4); c.4066-6542_4066-6539del (NM_001206846.2); short protein forms V2182fs.
Identifiers: ClinVar variation 817073 (VCV000817073.7), dbSNP rs771583813, ClinGen allele CA1309571.